The following is an entry in ClinVar:

ClinVar aggregate classification (germline): Uncertain significance (1 of 4 stars; one submission).

Submission:

Ambry Genetics
Classification: Uncertain significance. Last evaluated: 2024-11-17. Review status: criteria provided, single submitter. Criteria: Ambry Variant Classification Scheme 2023. Collection method: clinical testing. Allele origin: germline.
Comment: The p.E422V variant (also known as c.1265A>T) is located in coding exon 12 of the GEN1 gene. The glutamic acid at codon 422 is replaced by valine, an amino acid with dissimilar properties. This change occurs in the first base pair of coding exon 12. This amino acid position is conserved. In addition, this alteration is predicted to be tolerated by in silico analysis. Based on the available evidence, the clinical significance of this variant remains unclear.

NM_001130009.3(GEN1):c.1265A>T (p.Glu422Val)

Gene: GEN1 (GEN1 Holliday junction 5' flap endonuclease; plus strand). Cytogenetic location: 2p24.2.
Variant type: single nucleotide variant.
Coding change: c.1265A>T on transcript NM_001130009.3 (MANE Select); coding-DNA position 1265, A replaced by T.
Protein change: p.Glu422Val; replaces glutamic acid 422 with valine.
Molecular consequence: missense variant.
Genome position (GRCh38, 1-based): chr2:17,779,978, A>T. VCF-style: chr2-17779978-A-T. GRCh37 (hg19) VCF-style: chr2-17961245-A-T.
Other names: c.1265A>T, p.Glu422Val (NM_182625.5); short protein forms E422V.
Identifiers: ClinVar variation 3519710 (VCV003519710.1).
Genomic context (GRCh38, chr2:17,779,978, plus strand): 5'-CCGATTGAATTTTTTTAAATGCCTAATTAAGGACACTTTGCTGTATTTTTAATCTTTTAG[A>T]ACATTATGCTATGGAAGATAAACAACATGGAGAATTTGCTTTATTAACAATTGAGGAAGA-3'
Protein context (NP_001123481.3, residues 412-432): HCFEIEWEKP[Glu422Val]HYAMEDKQHG